The following is an entry in ClinVar:

ClinVar aggregate classification (germline): Uncertain significance (1 of 4 stars; one submission).

Submission:

GeneDx
Classification: Uncertain significance. Last evaluated: 2022-10-10. Review status: criteria provided, single submitter. Criteria: GeneDx Variant Classification Process June 2021. Collection method: clinical testing. Allele origin: germline. Affected: yes.
Comment: Not observed at significant frequency in large population cohorts (gnomAD); In silico analysis supports that this missense variant does not alter protein structure/function; Has not been previously published as pathogenic or benign to our knowledge

NM_006059.4(LAMC3):c.1567C>T (p.Pro523Ser)

Gene: LAMC3 (laminin subunit gamma 3; plus strand). Cytogenetic location: 9q34.12.
Variant type: single nucleotide variant.
Coding change: c.1567C>T on transcript NM_006059.4 (MANE Select); coding-DNA position 1567, C replaced by T.
Protein change: p.Pro523Ser; replaces proline 523 with serine.
Molecular consequence: missense variant.
Genome position (GRCh38, 1-based): chr9:131,049,067, C>T. VCF-style: chr9-131049067-C-T. GRCh37 (hg19) VCF-style: chr9-133924454-C-T.
Other names: short protein forms P523S.
Identifiers: ClinVar variation 2497947 (VCV002497947.1), dbSNP rs1249343175, ClinGen allele CA375263216.